The following is an entry in ClinVar:

NM_004370.6(COL12A1):c.3550C>A (p.Pro1184Thr)

Gene: COL12A1 (collagen type XII alpha 1 chain; minus strand). Cytogenetic location: 6q13.
Variant type: single nucleotide variant.
Coding change: c.3550C>A on transcript NM_004370.6 (MANE Select); coding-DNA position 3550, C replaced by A.
Protein change: p.Pro1184Thr; replaces proline 1184 with threonine.
Molecular consequence: missense variant. On other transcripts: intron variant (1).
Genome position (GRCh38, 1-based): chr6:75,154,431, G>T on the plus strand (C>A on the coding strand, the complement: COL12A1 is on the minus strand). VCF-style: chr6-75154431-G-T. GRCh37 (hg19) VCF-style: chr6-75864147-G-T.
Other names: c.74-1949C>A (NM_080645.3); short protein forms P1184T.
Identifiers: ClinVar variation 391979 (VCV000391979.3), dbSNP rs1057524309, ClinGen allele CA16605076.

ClinVar aggregate classification (germline): Uncertain significance (1 of 4 stars; one submission).

Allele frequency attached by ClinVar (database versions not stated): gnomAD 0.00001; TOPMed 0.00001.
gnomAD v4.1: 2 of 1,610,952 alleles (0.00012%); highest among the groups gnomAD compares: Non-Finnish European, 0.00017%; no homozygotes.

Submission:

GeneDx
Classification: Uncertain significance. Last evaluated: 2023-02-09. Review status: criteria provided, single submitter. Criteria: GeneDx Variant Classification Process June 2021. Collection method: clinical testing. Allele origin: germline. Affected: yes.
Comment: Has not been previously published as pathogenic or benign to our knowledge; Not observed at significant frequency in large population cohorts (gnomAD); In silico analysis supports that this missense variant does not alter protein structure/function